The following is an entry in ClinVar:

NM_005276.4(GPD1):c.134T>A (p.Ile45Asn)

Gene: GPD1 (glycerol-3-phosphate dehydrogenase 1; plus strand). Cytogenetic location: 12q13.12.
Variant type: single nucleotide variant.
Coding change: c.134T>A on transcript NM_005276.4 (MANE Select); coding-DNA position 134, T replaced by A.
Protein change: p.Ile45Asn; replaces isoleucine 45 with asparagine.
Molecular consequence: missense variant.
Genome position (GRCh38, 1-based): chr12:50,104,666, T>A. VCF-style: chr12-50104666-T-A. GRCh37 (hg19) VCF-style: chr12-50498449-T-A.
Other names: c.134T>A, p.Ile45Asn (NM_001257199.2); short protein forms I45N.
Identifiers: ClinVar variation 2863444 (VCV002863444.3), dbSNP rs142985043, ClinGen allele CA6561454.

ClinVar aggregate classification (germline): Uncertain significance (1 of 4 stars; one submission).

gnomAD v4.1: 1 of 1,613,948 alleles (0.000062%); highest among the groups gnomAD compares: East Asian, 0.0022%; no homozygotes.

Submission:

Labcorp Genetics (formerly Invitae), Labcorp
Classification: Uncertain significance. Last evaluated: 2023-05-11. Review status: criteria provided, single submitter. Criteria: Invitae Variant Classification Sherloc (09022015). Collection method: clinical testing. Allele origin: germline.
Comment: This variant has not been reported in the literature in individuals affected with GPD1-related conditions. This sequence change replaces isoleucine, which is neutral and non-polar, with asparagine, which is neutral and polar, at codon 45 of the GPD1 protein (p.Ile45Asn). This variant is present in population databases (rs142985043, gnomAD 0.006%). An algorithm developed to predict the effect of missense changes on protein structure and function (PolyPhen-2) suggests that this variant is likely to be disruptive. In summary, the available evidence is currently insufficient to determine the role of this variant in disease. Therefore, it has been classified as a Variant of Uncertain Significance.